The following is an entry in ClinVar:

ClinVar aggregate classification (germline): Uncertain significance (1 of 4 stars; one submission).

Conditions:
Polycystic kidney disease 4 (PKD4). Also called: POLYCYSTIC KIDNEY AND HEPATIC DISEASE 1; POLYCYSTIC KIDNEY DISEASE, INFANTILE, TYPE I; PKD3; Autosomal Recessive Polycystic Kidney Disease – PKHD1; POLYCYSTIC KIDNEY DISEASE 4 WITH OR WITHOUT POLYCYSTIC LIVER DISEASE. Identifiers: MedGen C4540575, MONDO:0033004, OMIM 263200.

Submission:

Myriad Genetics, Inc.
Classification: Uncertain significance for Polycystic kidney disease 4. Last evaluated: 2025-08-15. Review status: criteria provided, single submitter. Criteria: Myriad Autosomal Dominant, Autosomal Recessive and X-Linked Classification Criteria (2023). Collection method: clinical testing. Allele origin: unknown.
Comment: NM_138694.3(PKHD1):c.3500T>C(L1167P) is a missense variant classified as a variant of uncertain significance in the context of autosomal recessive polycystic kidney disease, PKHD1-related. L1167P has been observed in cases with relevant disease (PMID: 36685964, 36835961). Relevant functional assessments of this variant are not available in the literature. L1167P has not been observed in referenced population frequency databases. In summary, there is insufficient evidence to classify NM_138694.3(PKHD1):c.3500T>C(L1167P) as pathogenic or benign. Please note: this variant was assessed in the context of healthy population screening.

Literature cited by the submitters: PubMed 36685964; PubMed 36835961.

NM_138694.4(PKHD1):c.3500T>C (p.Leu1167Pro)

Gene: PKHD1 (PKHD1 ciliary IPT domain containing fibrocystin/polyductin; minus strand). Cytogenetic location: 6p12.2.
Variant type: single nucleotide variant.
Coding change: c.3500T>C on transcript NM_138694.4 (MANE Select); coding-DNA position 3500, T replaced by C.
Protein change: p.Leu1167Pro; replaces leucine 1167 with proline.
Molecular consequence: missense variant.
Genome position (GRCh38, 1-based): chr6:52,028,216, A>G on the plus strand (T>C on the coding strand, the complement: PKHD1 is on the minus strand). VCF-style: chr6-52028216-A-G. GRCh37 (hg19) VCF-style: chr6-51893014-A-G.
Other names: c.3500T>C, p.Leu1167Pro (NM_170724.3); short protein forms L1167P.
Identifiers: ClinVar variation 5003695 (VCV005003695.1).